The following is an entry in ClinVar:

NM_001276345.2(TNNT2):c.810+136C>T

Gene: TNNT2 (troponin T2, cardiac type; minus strand). Cytogenetic location: 1q32.1.
Variant type: single nucleotide variant.
Coding change: c.810+136C>T on transcript NM_001276345.2 (MANE Select); 136 bases into the intron after coding-DNA position 810, C replaced by T.
Molecular consequence: intron variant.
Genome position (GRCh38, 1-based): chr1:201,361,143, G>A on the plus strand (C>T on the coding strand, the complement: TNNT2 is on the minus strand). VCF-style: chr1-201361143-G-A. GRCh37 (hg19) VCF-style: chr1-201330271-G-A.
Other names: c.762+136C>T (NM_001001432.3); c.771+136C>T (NM_001001431.3); c.780+136C>T (NM_001001430.3, NM_001276347.2); c.681+136C>T (NM_001276346.2); c.801+136C>T (NM_000364.4).
Identifiers: ClinVar variation 675349 (VCV000675349.1), dbSNP rs114141823, ClinGen allele CA35417764.

ClinVar aggregate classification (germline): Likely benign (1 of 4 stars; one submission).

Allele frequency attached by ClinVar (database versions not stated): gnomAD exomes 0.00118; 1000 Genomes Project 30x 0.00906; gnomAD 0.00972 and 0.01062; 1000 Genomes Project 0.01018; TOPMed 0.01096.
gnomAD v4.1: 2,316 of 842,150 alleles (0.28%); highest among the groups gnomAD compares: African/African-American, 3.4%; 36 homozygotes.

Submission:

GeneDx
Classification: Likely benign. Last evaluated: 2018-06-14. Review status: criteria provided, single submitter. Criteria: GeneDx Variant Classification (06012015). Collection method: clinical testing. Allele origin: germline. Affected: yes.
Comment: This variant is considered likely benign or benign based on one or more of the following criteria: it is a conservative change, it occurs at a poorly conserved position in the protein, it is predicted to be benign by multiple in silico algorithms, and/or has population frequency not consistent with disease.